The following is an entry in ClinVar:

ClinVar aggregate classification (germline): Benign/Likely benign. Review status: criteria provided, multiple submitters, no conflicts (2 of 4 stars). 10 submissions from 10 submitters: Benign (4); Likely benign (4). 2 of the submissions do not count toward it. Last evaluated 2026-01-27.

Conditions:
NRAS-related disorder. Also called: NRAS-related condition.
RASopathy. Also called: Noonan spectrum disorder; rasopathies. Identifiers: Orphanet 536391, MedGen C5555857, MONDO:0021060.
Cardiovascular phenotype. Identifiers: MedGen CN230736.
Noonan syndrome 6 (NS6). Also called: NRAS-Related Noonan Syndrome. Identifiers: Orphanet 648, MedGen C2750732, MONDO:0013186, OMIM 613224.

Allele frequency attached by ClinVar (database versions not stated): gnomAD exomes 0.00010 and 0.00030; ExAC 0.00039; 1000 Genomes Project 30x 0.00078; 1000 Genomes Project 0.00080; gnomAD 0.00109 and 0.00123; ESP Exome Variant Server 0.00115; TOPMed 0.00118.
gnomAD v4.1: 323 of 1,613,638 alleles (0.02%); highest among the groups gnomAD compares: African/African-American, 0.37%; 1 homozygote.

Submissions (12):

Labcorp Genetics (formerly Invitae), Labcorp
Classification: Benign for RASopathy. Last evaluated: 2026-01-27. Review status: criteria provided, single submitter. Criteria: Invitae Variant Classification Sherloc (09022015). Collection method: clinical testing. Allele origin: germline.

Mayo Clinic Laboratories, Mayo Clinic
Classification: Likely benign. Last evaluated: 2025-04-09. Review status: criteria provided, single submitter. Criteria: ACMG Guidelines, 2015. Collection method: clinical testing. Allele origin: germline. Observed: 2 variant alleles.

Blueprint Genetics
Classification: Likely benign. Last evaluated: 2024-04-08. Review status: criteria provided, single submitter. Criteria: ACMG Guidelines, 2015. Collection method: clinical testing. Allele origin: germline.

Women's Health and Genetics/Laboratory Corporation of America, LabCorp
Classification: Benign. Last evaluated: 2020-08-03. Review status: criteria provided, single submitter. Criteria: LabCorp Variant Classification Summary - May 2015. Collection method: clinical testing. Allele origin: germline.
Comment: Variant summary: NRAS c.225C>T alters a non-conserved nucleotide resulting in a synonymous change. Several computational tools predict a significant impact on normal splicing: Four predict the variant creates a 5 donor site. However, these predictions have yet to be confirmed by functional studies. The variant allele was found at a frequency of 0.0003 in 251478 control chromosomes, predominantly at a frequency of 0.0039 within the African or African-American subpopulation in the gnomAD database, including 1 homozygote. The observed variant frequency within African or African-American control individuals in the gnomAD database is approximately 1560 fold of the estimated maximal expected allele frequency for a pathogenic variant in NRAS causing Noonan Syndrome phenotype (2.5e-06), strongly suggesting that the variant is a benign polymorphism found primarily in populations of African or African-American origin. To our knowledge, no occurrence of c.225C>T in individuals affected with Noonan Syndrome and no experimental evidence demonstrating its impact on protein function have been reported. Four other ClinVar submitters (evaluation after 2014) cite the variant as benign/likely benign (n=3) or uncertain significance (n=1). Based on the evidence outlined above, the variant was classified as benign.

Ambry Genetics
Classification: Benign for Cardiovascular phenotype. Last evaluated: 2020-03-24. Review status: criteria provided, single submitter. Criteria: Ambry Variant Classification Scheme 2023. Collection method: clinical testing. Allele origin: germline.

GeneDx
Classification: Benign. Last evaluated: 2018-08-29. Review status: criteria provided, single submitter. Criteria: GeneDx Variant Classification Process June 2021. Collection method: clinical testing. Allele origin: germline. Affected: yes.

Illumina Laboratory Services, Illumina
Classification: Likely benign for Noonan syndrome 6. Last evaluated: 2018-01-12. Review status: criteria provided, single submitter. Criteria: ICSL Variant Classification Criteria 13 December 2019. Collection method: clinical testing. Allele origin: germline.
Comment: This variant was observed in the ICSL laboratory as part of a predisposition screen in an ostensibly healthy population. It had not been previously curated by ICSL or reported in the Human Gene Mutation Database (HGMD: prior to June 1st, 2018), and was therefore a candidate for classification through an automated scoring system. Utilizing variant allele frequency, disease prevalence and penetrance estimates, and inheritance mode, an automated score was calculated to assess if this variant is too frequent to cause the disease. Based on the score and internal cut-off values, a variant classified as likely benign is not then subjected to further curation. The score for this variant resulted in a classification of likely benign for this disease.

Laboratory for Molecular Medicine, Mass General Brigham Personalized Medicine
Classification: Likely benign. Last evaluated: 2012-03-19. Review status: criteria provided, single submitter. Criteria: LMM Criteria. Collection method: clinical testing. Allele origin: germline. Observed: 2 variant alleles.
Comment: p.Gly75Gly in Exon 03 of NRAS: This variant is not expected to have clinical sig nificance because it does not alter an amino acid residue, is not located within the splice consensus sequence. It has been identified in 0.3% (10/3738) of Afri can American chromosomes from a broad population by the NHLBI Exome Sequencing P roject (dbSNP rs142739534).

PreventionGenetics, part of Exact Sciences
Classification: Likely benign for NRAS-related condition. Last evaluated: 2019-07-15. Review status: no assertion criteria provided. Collection method: clinical testing. Allele origin: germline. Not counted in ClinVar's aggregate classification.
Comment: This variant is classified as likely benign based on ACMG/AMP sequence variant interpretation guidelines (Richards et al. 2015 PMID: 25741868, with internal and published modifications).

Greenwood Genetic Center Diagnostic Laboratories, Greenwood Genetic Center
Classification: Uncertain significance. Last evaluated: 2015-01-15. Review status: no assertion criteria provided. Collection method: clinical testing. Allele origin: germline. Not counted in ClinVar's aggregate classification.

Dr. Peter K. Rogan Lab, Western University
No classification provided (evidence only). Condition: Uterine corpus endometrial carcinoma. Review status: no classification provided. Collection method: in vitro. Allele origin: not applicable. Functional consequence: retained intron. Not counted in ClinVar's aggregate classification.

Dr. Peter K. Rogan Lab, Western University
No classification provided (evidence only). Condition: Thymoma. Review status: no classification provided. Collection method: in vitro. Allele origin: not applicable. Functional consequence: retained intron. Not counted in ClinVar's aggregate classification.

Literature cited by the submitters: PubMed 27121720 (cited by Women's Health and Genetics/Laboratory Corporation of America, LabCorp); PubMed 24806883 (cited by Women's Health and Genetics/Laboratory Corporation of America, LabCorp); PubMed 17671181 (cited by Women's Health and Genetics/Laboratory Corporation of America, LabCorp); PubMed 23325582 (cited by Women's Health and Genetics/Laboratory Corporation of America, LabCorp); PubMed 27069254 (cited by Women's Health and Genetics/Laboratory Corporation of America, LabCorp).

NM_002524.5(NRAS):c.225C>T (p.Gly75=)

Gene: NRAS (NRAS proto-oncogene, GTPase; minus strand). Cytogenetic location: 1p13.2.
Variant type: single nucleotide variant.
Coding change: c.225C>T on transcript NM_002524.5 (MANE Select); coding-DNA position 225, C replaced by T.
Protein change: p.Gly75=; no amino-acid change (glycine 75 retained).
Molecular consequence: synonymous variant.
Genome position (GRCh38, 1-based): chr1:114,713,865, G>A on the plus strand (C>T on the coding strand, the complement: NRAS is on the minus strand). VCF-style: chr1-114713865-G-A. GRCh37 (hg19) VCF-style: chr1-115256486-G-A.
Other names: p.G75G:GGC>GGT; p.Gly75=.
Identifiers: ClinVar variation 178104 (VCV000178104.29), dbSNP rs142739534, ClinGen allele CA181412.